The following is an entry in ClinVar:

ClinVar aggregate classification (germline): Likely pathogenic (1 of 4 stars; one submission).

Conditions:
Anemia, nonspherocytic hemolytic, due to G6PD deficiency (CNSHA1). Also called: Hemolytic anemia due to G6PD deficiency; Class I glucose-6-phosphate dehydrogenase deficiency; Favism, susceptibility to; ANEMIA, CONGENITAL, NONSPHEROCYTIC HEMOLYTIC, 1. Identifiers: Orphanet 466026, MedGen C2720289, MONDO:0010480, OMIM 300908.

Submission:

Dunham Lab, University of Washington
Classification: Likely pathogenic for Anemia, nonspherocytic hemolytic, due to G6PD deficiency. Last evaluated: 2022-08-12. Review status: criteria provided, single submitter. Criteria: Bayesian ACMG Guidelines, 2018. Collection method: curation. Allele origin: maternal. Affected: yes.
Comment: Decreased activity in red blood cells (PS3). Below expected carrier frequency in gnomAD (PM2). Post_P 0.975 (odds of pathogenicity 350.3, Prior_P 0.1).

Literature cited by the submitters: PubMed 16927025.

NM_001360016.2(G6PD):c.844G>T (p.Asp282Tyr)

Gene: G6PD (glucose-6-phosphate dehydrogenase; minus strand). Cytogenetic location: Xq28.
Variant type: single nucleotide variant.
Coding change: c.844G>T on transcript NM_001360016.2 (MANE Select); coding-DNA position 844, G replaced by T.
Protein change: p.Asp282Tyr; replaces aspartic acid 282 with tyrosine.
Molecular consequence: missense variant.
Genome position (GRCh38, 1-based): chrX:154,533,596, C>A on the plus strand (G>T on the coding strand, the complement: G6PD is on the minus strand). VCF-style: chrX-154533596-C-A. GRCh37 (hg19) VCF-style: chrX-153761811-C-A.
Other names: G6PD Bajo Maumere; c.934G>T, p.Asp312Tyr (NM_000402.4); c.844G>T, p.Asp282Tyr (NM_001042351.3); short protein forms D282Y, D312Y.
Identifiers: ClinVar variation 1722591 (VCV001722591.2), dbSNP rs137852318, ClinGen allele CA415235126.